The following is an entry in ClinVar:

NM_005546.4(ITK):c.434A>G (p.Gln145Arg)

Gene: ITK (IL2 inducible T cell kinase; plus strand). Cytogenetic location: 5q33.3.
Variant type: single nucleotide variant.
Coding change: c.434A>G on transcript NM_005546.4 (MANE Select); coding-DNA position 434, A replaced by G.
Protein change: p.Gln145Arg; replaces glutamine 145 with arginine.
Molecular consequence: missense variant.
Genome position (GRCh38, 1-based): chr5:157,214,299, A>G. VCF-style: chr5-157214299-A-G. GRCh37 (hg19) VCF-style: chr5-156641310-A-G.
Other names: short protein forms Q145R.
Identifiers: ClinVar variation 1356648 (VCV001356648.7), dbSNP rs372432770, ClinGen allele CA3532742.

ClinVar aggregate classification (germline): Uncertain significance. Review status: criteria provided, multiple submitters, no conflicts (2 of 4 stars). 2 submissions from 2 submitters: Uncertain significance (2). Last evaluated 2025-10-14.

Conditions:
Lymphoproliferative syndrome 1 (LPFS1). Identifiers: Orphanet 238505, Orphanet 538963, MedGen C3552634, MONDO:0013081, OMIM 613011.

Allele frequency attached by ClinVar (database versions not stated): gnomAD 0.00001; TOPMed 0.00005.
gnomAD v4.1: 24 of 1,613,392 alleles (0.0015%); highest among the groups gnomAD compares: East Asian, 0.018%; no homozygotes.

Submissions (2):

Labcorp Genetics (formerly Invitae), Labcorp
Classification: Uncertain significance for Lymphoproliferative syndrome 1. Last evaluated: 2025-10-14. Review status: criteria provided, single submitter. Criteria: Invitae Variant Classification Sherloc (09022015). Collection method: clinical testing. Allele origin: germline.
Comment: This sequence change replaces glutamine, which is neutral and polar, with arginine, which is basic and polar, at codon 145 of the ITK protein (p.Gln145Arg). This variant is present in population databases (rs372432770, gnomAD 0.04%). This missense change has been observed in individual(s) with lymphoproliferative disease (PMID: 34170459). ClinVar contains an entry for this variant (Variation ID: 1356648). Invitae Evidence Modeling of protein sequence and biophysical properties (such as structural, functional, and spatial information, amino acid conservation, physicochemical variation, residue mobility, and thermodynamic stability) indicates that this missense variant is not expected to disrupt ITK protein function with a negative predictive value of 95%. In summary, the available evidence is currently insufficient to determine the role of this variant in disease. Therefore, it has been classified as a Variant of Uncertain Significance.

Blueprint Genetics
Classification: Uncertain significance. Last evaluated: 2024-10-02. Review status: criteria provided, single submitter. Criteria: ACMG Guidelines, 2015. Collection method: clinical testing. Allele origin: germline.

Literature cited by the submitters: PubMed 34170459 (cited by Labcorp Genetics (formerly Invitae), Labcorp).